The following is an entry in ClinVar:

ClinVar aggregate classification (germline): Likely benign. Review status: criteria provided, multiple submitters, no conflicts (2 of 4 stars). 3 submissions from 3 submitters: Likely benign (3). Last evaluated 2026-01-12.

Allele frequency attached by ClinVar (database versions not stated): gnomAD 0.00003; TOPMed 0.00005.
gnomAD v4.1: 24 of 1,612,038 alleles (0.0015%); highest among the groups gnomAD compares: African/African-American, 0.0053%; no homozygotes.

Submissions (3):

Labcorp Genetics (formerly Invitae), Labcorp
Classification: Likely benign. Last evaluated: 2026-01-12. Review status: criteria provided, single submitter. Criteria: Invitae Variant Classification Sherloc (09022015). Collection method: clinical testing. Allele origin: germline.

Blueprint Genetics
Classification: Likely benign. Last evaluated: 2022-01-06. Review status: criteria provided, single submitter. Criteria: ACMG Guidelines, 2015. Collection method: clinical testing. Allele origin: germline.

GeneDx
Classification: Likely benign. Last evaluated: 2017-10-20. Review status: criteria provided, single submitter. Criteria: GeneDx Variant Classification (06012015). Collection method: clinical testing. Allele origin: germline. Affected: yes.
Comment: This variant is considered likely benign or benign based on one or more of the following criteria: it is a conservative change, it occurs at a poorly conserved position in the protein, it is predicted to be benign by multiple in silico algorithms, and/or has population frequency not consistent with disease.

NM_080680.3(COL11A2):c.2430+19C>T

Gene: COL11A2 (collagen type XI alpha 2 chain; minus strand). Cytogenetic location: 6p21.32.
Variant type: single nucleotide variant.
Coding change: c.2430+19C>T on transcript NM_080680.3 (MANE Select); 19 bases into the intron after coding-DNA position 2430, C replaced by T.
Molecular consequence: intron variant.
Genome position (GRCh38, 1-based): chr6:33,174,508, G>A on the plus strand (C>T on the coding strand, the complement: COL11A2 is on the minus strand). VCF-style: chr6-33174508-G-A. GRCh37 (hg19) VCF-style: chr6-33142285-G-A.
Other names: c.2109+19C>T (NM_080679.3); c.2172+19C>T (NM_080681.3).
Identifiers: ClinVar variation 512626 (VCV000512626.10), dbSNP rs764083806, ClinGen allele CA137068987.
Genomic context (GRCh38, chr6:33,174,508, plus strand): 5'-TGCTTTCTGGAATCAGGGATCAGGGAAGCGAAGAGGAGGAGGGAAGAGGAGGAGGGGCAC[G>A]TATGGGGCATGGCATCACCTTGGGTCCCTGACGTCCAGGATAGCCAGGCAGACCAGGAAC-3'